The following is an entry in ClinVar:

NM_000391.4(TPP1):c.1146C>A (p.Ser382Arg)

Gene: TPP1 (tripeptidyl peptidase 1; minus strand). Cytogenetic location: 11p15.4.
Variant type: single nucleotide variant.
Coding change: c.1146C>A on transcript NM_000391.4 (MANE Select); coding-DNA position 1146, C replaced by A.
Protein change: p.Ser382Arg; replaces serine 382 with arginine.
Molecular consequence: missense variant.
Genome position (GRCh38, 1-based): chr11:6,615,562, G>T on the plus strand (C>A on the coding strand, the complement: TPP1 is on the minus strand). VCF-style: chr11-6615562-G-T. GRCh37 (hg19) VCF-style: chr11-6636793-G-T.
Other names: short protein forms S382R.
Identifiers: ClinVar variation 3251468 (VCV003251468.1), dbSNP rs2493797070.
Genomic context (GRCh38, chr11:6,615,562, plus strand): 5'-TTCATTTGTGATGAGGAAAGGTTCCTGGAAGGATGTGCCTCCCACTGTGGTGACATAGGG[G>T]CTGAGGGGAGAAGACAGCATTTGGATAGTAGGGGACCCAAGGGGACCTCCAAGATATGTG-3'
Protein context (NP_000382.3, residues 372-392): HQFRPTFPAS[Ser382Arg]PYVTTVGGTS

ClinVar aggregate classification (germline): Uncertain significance (1 of 4 stars; one submission).

Submission:

Women's Health and Genetics/Laboratory Corporation of America, LabCorp
Classification: Uncertain significance. Last evaluated: 2024-04-08. Review status: criteria provided, single submitter. Criteria: LabCorp Variant Classification Summary - May 2015. Collection method: clinical testing. Allele origin: germline.
Comment: Variant summary: TPP1 c.1146C>A (p.Ser382Arg) results in a non-conservative amino acid change located in the Peptidase S8/S53 domain (IPR000209) of the encoded protein sequence. Five of five in-silico tools predict a damaging effect of the variant on protein function. In addition, this variant disrupts the first nucleotide of exon 10, and therefore can affect splicing. Consensus agreement among computation tools predict no significant impact on normal splicing. However, these predictions have yet to be confirmed by functional studies. The variant was absent in 250238 control chromosomes (gnomAD). The available data on variant occurrences in the general population are insufficient to allow any conclusion about variant significance. To our knowledge, no occurrence of c.1146C>A in individuals affected with Neuronal Ceroid-Lipofuscinosis (Batten Disease) and no experimental evidence demonstrating its impact on protein function have been reported. No submitters have cited clinical-significance assessments for this variant to ClinVar. Based on the evidence outlined above, the variant was classified as uncertain significance.